The following is an entry in ClinVar:

NM_000466.3(PEX1):c.2233A>T (p.Arg745Ter)

Gene: PEX1 (peroxisomal biogenesis factor 1; minus strand). Cytogenetic location: 7q21.2.
Variant type: single nucleotide variant.
Coding change: c.2233A>T on transcript NM_000466.3 (MANE Select); coding-DNA position 2233, A replaced by T.
Protein change: p.Arg745Ter; replaces arginine 745 with a stop codon.
Molecular consequence: nonsense.
Genome position (GRCh38, 1-based): chr7:92,502,073, T>A on the plus strand (A>T on the coding strand, the complement: PEX1 is on the minus strand). VCF-style: chr7-92502073-T-A. GRCh37 (hg19) VCF-style: chr7-92131387-T-A.
Other names: c.2062A>T, p.Arg688Ter (NM_001282677.2); c.1609A>T, p.Arg537Ter (NM_001282678.2); short protein forms R537*, R688*, R745*.
Identifiers: ClinVar variation 1725019 (VCV001725019.3), dbSNP rs2484662041, ClinGen allele CA368178807.
Genomic context (GRCh38, chr7:92,502,073, plus strand): 5'-TGAACTTGTTTATATCACAGTCCAATTTATTTTTTATTACATTACACAGAATTTCACATC[T>A]TTGTTCCTAAAGAAAAAAACACAAAATTCGAATTTCCAATTGTATTCAACTGTATATTTT-3'

ClinVar aggregate classification (germline): Likely pathogenic (1 of 4 stars; one submission).

Conditions:
Peroxisome biogenesis disorder. Identifiers: Orphanet 79189, MedGen C1832200, MONDO:0019234. Disease mechanism: loss of function.

Submission:

Myriad Genetics, Inc.
Classification: Likely pathogenic for Peroxisome biogenesis disorder. Last evaluated: 2022-03-05. Review status: criteria provided, single submitter. Criteria: Myriad Autosomal Dominant, Autosomal Recessive and X-Linked Classification Criteria (2023). Collection method: clinical testing. Allele origin: unknown.
Comment: NM_000466.2(PEX1):c.2233A>T(R745*) is expected to be pathogenic in the context of peroxisome biogenesis disorder type 1. This variant is predicted to lead to an abnormal or absent protein product due to the creation of a premature termination codon in PEX1, a gene where loss-of-function variants are known to be pathogenic. Please note: this variant was assessed in the context of healthy population screening.